The following is an entry in ClinVar:

ClinVar aggregate classification (germline): Benign/Likely benign. Review status: criteria provided, multiple submitters, no conflicts (2 of 4 stars). 6 submissions from 6 submitters: Benign (2); Likely benign (3). 1 of the submissions does not count toward it. Last evaluated 2025-12-17.

Conditions:
COL4A6-related disorder. Also called: COL4A6-related condition.
Hearing loss, X-linked 6. Also called: Deafness, X-linked 6. Identifiers: Orphanet 90625, MedGen C3806737, MONDO:0010484, OMIM 300914.

Allele frequency attached by ClinVar (database versions not stated): gnomAD exomes 0.00012 and 0.00029; 1000 Genomes Project 30x 0.00021; ExAC 0.00036; ESP Exome Variant Server 0.00047; gnomAD 0.00085 and 0.00091; TOPMed 0.00100.
gnomAD v4.1: 235 of 1,193,012 alleles (0.02%); highest among the groups gnomAD compares: African/African-American, 0.26%; no homozygotes.

Submissions (6):

Labcorp Genetics (formerly Invitae), Labcorp
Classification: Likely benign. Last evaluated: 2025-12-17. Review status: criteria provided, single submitter. Criteria: Invitae Variant Classification Sherloc (09022015). Collection method: clinical testing. Allele origin: germline.

Blueprint Genetics
Classification: Likely benign. Last evaluated: 2024-11-13. Review status: criteria provided, single submitter. Criteria: ACMG Guidelines, 2015. Collection method: clinical testing. Allele origin: germline.

Genome-Nilou Lab
Classification: Benign for Hearing loss, X-linked 6. Last evaluated: 2022-03-15. Review status: criteria provided, single submitter. Criteria: ACMG Guidelines, 2015. Collection method: clinical testing. Allele origin: germline. Affected: no.

GeneDx
Classification: Benign. Last evaluated: 2021-06-10. Review status: criteria provided, single submitter. Criteria: GeneDx Variant Classification Process June 2021. Collection method: clinical testing. Allele origin: germline. Affected: yes.

Breakthrough Genomics
Classification: Likely benign. Review status: criteria provided, single submitter. Criteria: ACMG Guidelines, 2015. Collection method: not provided. Allele origin: germline. Inheritance: X-linked inheritance. Affected: yes.

PreventionGenetics, part of Exact Sciences
Classification: Likely benign for COL4A6-related condition. Last evaluated: 2020-07-28. Review status: no assertion criteria provided. Collection method: clinical testing. Allele origin: germline. Not counted in ClinVar's aggregate classification.
Comment: This variant is classified as likely benign based on ACMG/AMP sequence variant interpretation guidelines (Richards et al. 2015 PMID: 25741868, with internal and published modifications).

NM_033641.4(COL4A6):c.2039G>A (p.Arg680Gln)

Gene: COL4A6 (collagen type IV alpha 6 chain; minus strand). Cytogenetic location: Xq22.3.
Variant type: single nucleotide variant.
Coding change: c.2039G>A on transcript NM_033641.4 (MANE Select); coding-DNA position 2039, G replaced by A.
Protein change: p.Arg680Gln; replaces arginine 680 with glutamine.
Molecular consequence: missense variant.
Genome position (GRCh38, 1-based): chrX:108,180,607, C>T on the plus strand (G>A on the coding strand, the complement: COL4A6 is on the minus strand). VCF-style: chrX-108180607-C-T. GRCh37 (hg19) VCF-style: chrX-107423837-C-T.
Other names: c.2090G>A, p.Arg697Gln (NM_001287758.2); c.2039G>A, p.Arg680Gln (NM_001287759.2, NM_001287760.2); c.2042G>A, p.Arg681Gln (NM_001847.4); short protein forms R680Q, R681Q, R697Q.
Identifiers: ClinVar variation 514981 (VCV000514981.17), dbSNP rs146510405, ClinGen allele CA10487696.